The following is an entry in ClinVar:

ClinVar aggregate classification (germline): Uncertain significance (1 of 4 stars; one submission).

gnomAD v4.1: 2 of 1,582,802 alleles (0.00013%); highest among the groups gnomAD compares: Non-Finnish European, 0.00017%; no homozygotes.

Submission:

Women's Health and Genetics/Laboratory Corporation of America, LabCorp
Classification: Uncertain significance. Last evaluated: 2024-08-28. Review status: criteria provided, single submitter. Criteria: LabCorp Variant Classification Summary - May 2015. Collection method: clinical testing. Allele origin: germline.
Comment: Variant summary: MYO15A c.7395+3G>A alters a non-conserved nucleotide located close to a canonical splice site and therefore could affect mRNA splicing, leading to a significantly altered protein sequence. Consensus agreement among computation tools predict no significant impact on normal splicing. However, these predictions have yet to be confirmed by functional studies. The variant allele was found at a frequency of 5e-06 in 198388 control chromosomes. c.7395+3G>A has been reported in the literature in at-least one individual affected with Autosomal Recessive Nonsyndromic Hearing Loss (Riahi_2014). These data indicate that the variant may be associated with disease. To our knowledge, no experimental evidence demonstrating an impact on protein function has been reported. The following publication has been ascertained in the context of this evaluation (PMID: 24926664). No submitters have cited clinical-significance assessments for this variant to ClinVar. Based on the evidence outlined above, the variant was classified as VUS-possibly pathogenic.

Literature cited by the submitters: PubMed 24926664.

NM_016239.4(MYO15A):c.7395+3G>A

Gene: MYO15A (myosin XVA; plus strand). Cytogenetic location: 17p11.2.
Variant type: single nucleotide variant.
Coding change: c.7395+3G>A on transcript NM_016239.4 (MANE Select); 3 bases into the intron after coding-DNA position 7395, G replaced by A.
Molecular consequence: intron variant.
Genome position (GRCh38, 1-based): chr17:18,150,768, G>A. VCF-style: chr17-18150768-G-A. GRCh37 (hg19) VCF-style: chr17-18054082-G-A.
Identifiers: ClinVar variation 3366391 (VCV003366391.1).
Genomic context (GRCh38, chr17:18,150,768, plus strand): 5'-GGATGCCTCCACATTGGCTCTGCAGCAAGCCTTCATCCACAAACAGGCCGTGCTGCTGGT[G>A]AGTGAGGGAGGGACTGCTGGGGGGTGGAGAATGGACCTGCCTGGTCACCACTGCCACCTC-3'